The following is an entry in ClinVar:

NM_004813.4(PEX16):c.654C>G (p.Thr218=)

Gene: PEX16 (peroxisomal biogenesis factor 16; minus strand). Cytogenetic location: 11p11.2.
Variant type: single nucleotide variant.
Coding change: c.654C>G on transcript NM_004813.4 (MANE Select); coding-DNA position 654, C replaced by G.
Protein change: p.Thr218=; no amino-acid change (threonine 218 retained).
Molecular consequence: synonymous variant.
Genome position (GRCh38, 1-based): chr11:45,914,356, G>C on the plus strand (C>G on the coding strand, the complement: PEX16 is on the minus strand). VCF-style: chr11-45914356-G-C. GRCh37 (hg19) VCF-style: chr11-45935907-G-C.
Other names: p.Thr218=; c.654C>G (NM_057174.2); c.654C>G, p.Thr218= (NM_057174.3).
Identifiers: ClinVar variation 1085095 (VCV001085095.11), dbSNP rs372347595, ClinGen allele CA5959886.

ClinVar aggregate classification (germline): Likely benign. Review status: criteria provided, multiple submitters, no conflicts (2 of 4 stars). 3 submissions from 3 submitters: Likely benign (3). Last evaluated 2025-12-16.

Conditions:
Peroxisome biogenesis disorder. Identifiers: Orphanet 79189, MedGen C1832200, MONDO:0019234. Disease mechanism: loss of function.

Allele frequency attached by ClinVar (database versions not stated): ExAC 0.00002; gnomAD exomes 0.00003; gnomAD 0.00006; ESP Exome Variant Server 0.00023.
gnomAD v4.1: 33 of 1,611,738 alleles (0.002%); highest among the groups gnomAD compares: African/African-American, 0.029%; no homozygotes.

Submissions (3):

Labcorp Genetics (formerly Invitae), Labcorp
Classification: Likely benign for Peroxisome biogenesis disorder. Last evaluated: 2025-12-16. Review status: criteria provided, single submitter. Criteria: Invitae Variant Classification Sherloc (09022015). Collection method: clinical testing. Allele origin: germline.

Mayo Clinic Laboratories, Mayo Clinic
Classification: Likely benign. Last evaluated: 2025-06-27. Review status: criteria provided, single submitter. Criteria: ACMG Guidelines, 2015. Collection method: clinical testing. Allele origin: germline. Observed: 1 variant allele.
Comment: BP4, BP7

Blueprint Genetics
Classification: Likely benign. Last evaluated: 2024-09-13. Review status: criteria provided, single submitter. Criteria: ACMG Guidelines, 2015. Collection method: clinical testing. Allele origin: germline.